The following is an entry in ClinVar:

NM_198407.2(GHSR):c.800T>C (p.Val267Ala)

Gene: GHSR (growth hormone secretagogue receptor; minus strand). Cytogenetic location: 3q26.31.
Variant type: single nucleotide variant.
Coding change: c.800T>C on transcript NM_198407.2 (MANE Select); coding-DNA position 800, T replaced by C.
Protein change: p.Val267Ala; replaces valine 267 with alanine.
Molecular consequence: missense variant.
Genome position (GRCh38, 1-based): chr3:172,445,462, A>G on the plus strand (T>C on the coding strand, the complement: GHSR is on the minus strand). VCF-style: chr3-172445462-A-G. GRCh37 (hg19) VCF-style: chr3-172163252-A-G.
Other names: short protein forms V267A.
Identifiers: ClinVar variation 2183733 (VCV002183733.5), dbSNP rs368492040, ClinGen allele CA2706360.

ClinVar aggregate classification (germline): Uncertain significance. Review status: criteria provided, multiple submitters, no conflicts (2 of 4 stars). 2 submissions from 2 submitters: Uncertain significance (2). Last evaluated 2025-07-25.

Allele frequency attached by ClinVar (database versions not stated): ExAC 0.00001; gnomAD 0.00001; gnomAD exomes 0.00001; TOPMed 0.00002; ESP Exome Variant Server 0.00008.

Submissions (2):

Labcorp Genetics (formerly Invitae), Labcorp
Classification: Uncertain significance. Last evaluated: 2025-07-25. Review status: criteria provided, single submitter. Criteria: Invitae Variant Classification Sherloc (09022015). Collection method: clinical testing. Allele origin: germline.
Comment: This sequence change replaces valine, which is neutral and non-polar, with alanine, which is neutral and non-polar, at codon 267 of the GHSR protein (p.Val267Ala). This variant is present in population databases (rs368492040, gnomAD 0.002%). This variant has not been reported in the literature in individuals affected with GHSR-related conditions. ClinVar contains an entry for this variant (Variation ID: 2183733). Invitae Evidence Modeling of protein sequence and biophysical properties (such as structural, functional, and spatial information, amino acid conservation, physicochemical variation, residue mobility, and thermodynamic stability) indicates that this missense variant is not expected to disrupt GHSR protein function with a negative predictive value of 80%. In summary, the available evidence is currently insufficient to determine the role of this variant in disease. Therefore, it has been classified as a Variant of Uncertain Significance.

Blueprint Genetics
Classification: Uncertain significance. Last evaluated: 2023-05-08. Review status: criteria provided, single submitter. Criteria: ACMG Guidelines, 2015. Collection method: clinical testing. Allele origin: germline.